The following is an entry in ClinVar:

ClinVar aggregate classification (germline): Uncertain significance. Review status: criteria provided, multiple submitters, no conflicts (2 of 4 stars). 2 submissions from 2 submitters: Uncertain significance (2). Last evaluated 2020-06-10.

Conditions:
Autosomal recessive limb-girdle muscular dystrophy type 2L (LGMDR12). Also called: Limb-Girdle Muscular Dystrophy R12 Anoctamin-5-Related (LGMD-R12); Limb-girdle muscular dystrophy, type 2L; MUSCULAR DYSTROPHY, LIMB-GIRDLE, AUTOSOMAL RECESSIVE 12. Identifiers: Orphanet 206549, MedGen C1969785, MONDO:0012652, OMIM 611307.
Miyoshi muscular dystrophy 3 (MMD3). Also called: Miyoshi Muscular Dystrophy 3 (MMD3); Miyoshi myopathy 3. Identifiers: Orphanet 399096, MedGen C2750076, MONDO:0013222, OMIM 613319.
Gnathodiaphyseal dysplasia (GDD). Also called: GNATHODIAPHYSEAL SCLEROSIS; OSTEOGENESIS IMPERFECTA WITH UNUSUAL SKELETAL LESIONS. Identifiers: Orphanet 53697, MedGen C1833736, MONDO:0008151, OMIM 166260.

Submissions (2):

Revvity Omics, Revvity
Classification: Uncertain significance. Last evaluated: 2020-06-10. Review status: criteria provided, single submitter. Criteria: ACMG Guidelines, 2015. Collection method: clinical testing. Allele origin: germline.

GeneDx
Classification: Uncertain significance. Last evaluated: 2017-10-02. Review status: criteria provided, single submitter. Criteria: GeneDx Variant Classification (06012015). Collection method: clinical testing. Allele origin: germline. Affected: yes.
Comment: A variant of uncertain significance has been identified in the ANO5 gene. The D361H variant has not been published as a pathogenic variant, nor has it been reported as a benign variant to our knowledge. The D361H variant is not observed in large population cohorts (Lek et al., 2016). The D361H variant is a non-conservative amino acid substitution, which is likely to impact secondary protein structure as these residues differ in polarity, charge, size and/or other properties. However, this substitution occurs at a position that is not conserved. In silico analysis is inconsistent in its predictions as to whether or not the variant is damaging to the protein structure/function. Therefore, based on the currently available information, it is unclear whether this variant is a pathogenic variant or a rare benign variant.

NM_213599.3(ANO5):c.1081G>C (p.Asp361His)

Gene: ANO5 (anoctamin 5; plus strand). Cytogenetic location: 11p14.3.
Variant type: single nucleotide variant.
Coding change: c.1081G>C on transcript NM_213599.3 (MANE Select); coding-DNA position 1081, G replaced by C.
Protein change: p.Asp361His; replaces aspartic acid 361 with histidine.
Molecular consequence: missense variant.
Genome position (GRCh38, 1-based): chr11:22,250,808, G>C. VCF-style: chr11-22250808-G-C. GRCh37 (hg19) VCF-style: chr11-22272354-G-C.
Other names: c.1078G>C, p.Asp360His (NM_001142649.2); short protein forms D361H, D360H.
Identifiers: ClinVar variation 452453 (VCV000452453.6), dbSNP rs1554929295, ClinGen allele CA379921093.
Genomic context (GRCh38, chr11:22,250,808, plus strand): 5'-ATCTGTGACCCTGAGATTGGTGGTCAGATGATCATGTGCCCACTCTGTGATCAAGTGTGT[G>C]ATTATTGGAGACTAAATAGTACGTGTTTGGCTTCAAAGGTATGTATGCATTGTAACATGT-3'
Protein context (NP_998764.1, residues 351-371): IMCPLCDQVC[Asp361His]YWRLNSTCLA